The following is an entry in ClinVar:

NM_022090.5(ZBED8):c.200A>G (p.Lys67Arg)

Gene: ZBED8 (zinc finger BED-type containing 8; minus strand). Cytogenetic location: 5q33.3.
Variant type: single nucleotide variant.
Coding change: c.200A>G on transcript NM_022090.5 (MANE Select); coding-DNA position 200, A replaced by G.
Protein change: p.Lys67Arg; replaces lysine 67 with arginine.
Molecular consequence: missense variant.
Genome position (GRCh38, 1-based): chr5:160,395,291, T>C on the plus strand (A>G on the coding strand, the complement: ZBED8 is on the minus strand). VCF-style: chr5-160395291-T-C. GRCh37 (hg19) VCF-style: chr5-159822298-T-C.
Other names: c.200A>G, p.Lys67Arg (NM_001303251.2); short protein forms K67R.
Identifiers: ClinVar variation 3904921 (VCV003904921.10).

ClinVar aggregate classification (germline): Likely benign (1 of 4 stars; one submission).

gnomAD v4.1: 6,489 of 1,614,192 alleles (0.4%); highest among the groups gnomAD compares: Non-Finnish European, 0.51%; 14 homozygotes.

Submission:

CeGaT Center for Human Genetics Tuebingen
Classification: Likely benign. Last evaluated: 2025-06-01. Review status: criteria provided, single submitter. Criteria: CeGaT Center For Human Genetics Tuebingen Variant Classification Criteria Version 2. Collection method: clinical testing. Allele origin: germline. Affected: yes. Observed: 1 variant allele.
Comment: ZBED8: BP4, BS2